The following is an entry in ClinVar:

NM_015338.6(ASXL1):c.1072T>C (p.Tyr358His)

Gene: ASXL1 (ASXL transcriptional regulator 1; plus strand). Cytogenetic location: 20q11.21.
Variant type: single nucleotide variant.
Coding change: c.1072T>C on transcript NM_015338.6 (MANE Select); coding-DNA position 1072, T replaced by C.
Protein change: p.Tyr358His; replaces tyrosine 358 with histidine.
Molecular consequence: missense variant.
Genome position (GRCh38, 1-based): chr20:32,432,972, T>C. VCF-style: chr20-32432972-T-C. GRCh37 (hg19) VCF-style: chr20-31020775-T-C.
Other names: c.889T>C, p.Tyr297His (NM_001363734.1); short protein forms Y297H, Y358H.
Identifiers: ClinVar variation 2527441 (VCV002527441.10), dbSNP rs2515526805, ClinGen allele CA408555543.
Genomic context (GRCh38, chr20:32,432,972, plus strand): 5'-CGACAGGAAATGGAGAAGGAAAAGAAGGTGGAACAATGGAAAGAAAAGTTCTTTGAAGAC[T>C]ACTATGGACAGAAGTAAGGCAGTTGGAGCTATGAGTCCTGGTCTGGGGTTTTGAGGGGAT-3'
Protein context (NP_056153.2, residues 348-368): EQWKEKFFED[Tyr358His]YGQKLGLTKE

ClinVar aggregate classification (germline): Uncertain significance. Review status: criteria provided, multiple submitters, no conflicts (2 of 4 stars). 2 submissions from 2 submitters: Uncertain significance (2). Last evaluated 2025-10-09.

Conditions:
Inborn genetic diseases. Identifiers: MedGen C0950123, MeSH D030342.

Submissions (2):

Ambry Genetics
Classification: Uncertain significance for Inborn genetic diseases. Last evaluated: 2025-10-09. Review status: criteria provided, single submitter. Criteria: Ambry Variant Classification Scheme 2023. Collection method: clinical testing. Allele origin: germline.
Comment: The p.Y358H variant (also known as c.1072T>C), located in coding exon 11 of the ASXL1 gene, results from a T to C substitution at nucleotide position 1072. The tyrosine at codon 358 is replaced by histidine, an amino acid with similar properties. This amino acid position is conserved. In addition, the in silico prediction for this alteration is inconclusive. Based on the available evidence, the clinical significance of this variant remains unclear.

CeGaT Center for Human Genetics Tuebingen
Classification: Uncertain significance. Last evaluated: 2025-08-01. Review status: criteria provided, single submitter. Criteria: CeGaT Center For Human Genetics Tuebingen Variant Classification Criteria Version 2. Collection method: clinical testing. Allele origin: germline. Affected: yes. Observed: 1 variant allele.
Comment: ASXL1: PM2, BP1